The following is an entry in ClinVar:

ClinVar aggregate classification (germline): Uncertain significance (1 of 4 stars; one submission).

Conditions:
PRPH2-related disorder. Also called: PRPH2-related disorders; PRPH2-related condition. Identifiers: MedGen CN239395.

Allele frequency attached by ClinVar (database versions not stated): 1000 Genomes Project 30x 0.00016.
gnomAD v4.1: 3 of 1,614,048 alleles (0.00019%); highest among the groups gnomAD compares: Admixed American, 0.0017%; no homozygotes.

Submission:

Labcorp Genetics (formerly Invitae), Labcorp
Classification: Uncertain significance for PRPH2-related disorder. Last evaluated: 2023-07-17. Review status: criteria provided, single submitter. Criteria: Invitae Variant Classification Sherloc (09022015). Collection method: clinical testing. Allele origin: germline.
Comment: In summary, the available evidence is currently insufficient to determine the role of this variant in disease. Therefore, it has been classified as a Variant of Uncertain Significance. Advanced modeling of protein sequence and biophysical properties (such as structural, functional, and spatial information, amino acid conservation, physicochemical variation, residue mobility, and thermodynamic stability) has been performed at Invitae for this missense variant, however the output from this modeling did not meet the statistical confidence thresholds required to predict the impact of this variant on PRPH2 protein function. This variant has not been reported in the literature in individuals affected with PRPH2-related conditions. This variant is not present in population databases (gnomAD no frequency). This sequence change replaces glutamine, which is neutral and polar, with lysine, which is basic and polar, at codon 304 of the PRPH2 protein (p.Gln304Lys).

NM_000322.5(PRPH2):c.910C>A (p.Gln304Lys)

Gene: PRPH2 (peripherin 2; minus strand). Cytogenetic location: 6p21.1.
Variant type: single nucleotide variant.
Coding change: c.910C>A on transcript NM_000322.5 (MANE Select); coding-DNA position 910, C replaced by A.
Protein change: p.Gln304Lys; replaces glutamine 304 with lysine.
Molecular consequence: missense variant.
Genome position (GRCh38, 1-based): chr6:42,698,426, G>T on the plus strand (C>A on the coding strand, the complement: PRPH2 is on the minus strand). VCF-style: chr6-42698426-G-T. GRCh37 (hg19) VCF-style: chr6-42666164-G-T.
Other names: short protein forms Q304K.
Identifiers: ClinVar variation 2796716 (VCV002796716.3), dbSNP rs390659, ClinGen allele CA364133178.